The following is an entry in ClinVar:

NM_006279.5(ST3GAL3):c.1014C>G (p.Thr338=)

Gene: ST3GAL3 (ST3 beta-galactoside alpha-2,3-sialyltransferase 3; plus strand). Cytogenetic location: 1p34.1.
Variant type: single nucleotide variant.
Coding change: c.1014C>G on transcript NM_006279.5 (MANE Select); coding-DNA position 1014, C replaced by G.
Protein change: p.Thr338=; no amino-acid change (threonine 338 retained).
Molecular consequence: synonymous variant. On other transcripts: non-coding transcript variant (6), intron variant (11).
Genome position (GRCh38, 1-based): chr1:43,920,904, C>G. VCF-style: chr1-43920904-C-G. GRCh37 (hg19) VCF-style: chr1-44386576-C-G.
Other names: c.1221C>G (NM_174963.3); c.924C>G, p.Thr308= (NM_001270459.2); c.921C>G, p.Thr307= (NM_001270460.2); c.1059C>G, p.Thr353= (NM_001350619.2, NM_174964.4); c.1014C>G, p.Thr338= (NM_001350620.2); c.735C>G, p.Thr245= (NM_001350621.2); c.1221C>G, p.Thr407= (NM_174963.5); c.1176C>G, p.Thr392= (NM_174968.5); and 13 more.
Identifiers: ClinVar variation 530630 (VCV000530630.24), dbSNP rs149000966, ClinGen allele CA814860.

ClinVar aggregate classification (germline): Benign/Likely benign. Review status: criteria provided, multiple submitters, no conflicts (2 of 4 stars). 5 submissions from 5 submitters: Benign (1); Likely benign (4). Last evaluated 2025-12-22.

Conditions:
Early-infantile DEE. Also called: Early infantile epileptic encephalopathy; Ohtahara syndrome; Early infantile epileptic encephalopathy with suppression bursts. Identifiers: Orphanet 1934, MedGen C0393706, MONDO:0800491.
Inborn genetic diseases. Identifiers: MedGen C0950123, MeSH D030342.

Allele frequency attached by ClinVar (database versions not stated): gnomAD 0.00066 and 0.00070; TOPMed 0.00075; ESP Exome Variant Server 0.00077; 1000 Genomes Project 0.00140; 1000 Genomes Project 30x 0.00156.
gnomAD v4.1: 185 of 1,613,696 alleles (0.011%); highest among the groups gnomAD compares: African/African-American, 0.22%; 2 homozygotes.

Submissions (5):

Labcorp Genetics (formerly Invitae), Labcorp
Classification: Likely benign for Early-infantile DEE. Last evaluated: 2025-12-22. Review status: criteria provided, single submitter. Criteria: Invitae Variant Classification Sherloc (09022015). Collection method: clinical testing. Allele origin: germline.

CeGaT Center for Human Genetics Tuebingen
Classification: Likely benign. Last evaluated: 2025-06-01. Review status: criteria provided, single submitter. Criteria: CeGaT Center For Human Genetics Tuebingen Variant Classification Criteria Version 2. Collection method: clinical testing. Allele origin: germline. Affected: yes. Observed: 1 variant allele.
Comment: ST3GAL3: BS2

Athena Diagnostics
Classification: Benign. Last evaluated: 2024-12-31. Review status: criteria provided, single submitter. Criteria: Athena Diagnostics Criteria. Collection method: clinical testing. Allele origin: unknown.
Comment: The frequency of this variant in the general population is higher than would generally be expected for pathogenic variants in this gene. Computational tools yielded predictions that this variant is unlikely to have an effect on normal RNA splicing. This nucleotide position exhibits low evolutionary conservation.

Blueprint Genetics
Classification: Likely benign. Last evaluated: 2024-08-21. Review status: criteria provided, single submitter. Criteria: ACMG Guidelines, 2015. Collection method: clinical testing. Allele origin: germline.

Ambry Genetics
Classification: Likely benign for Inborn genetic diseases. Last evaluated: 2018-08-09. Review status: criteria provided, single submitter. Criteria: Ambry Variant Classification Scheme 2023. Collection method: clinical testing. Allele origin: germline.